The following is an entry in ClinVar:

NM_001378615.1(CC2D2A):c.4180-1G>A

Genes: CC2D2A (coiled-coil and C2 domain containing 2A; plus strand), FBXL5 (F-box and leucine rich repeat protein 5; minus strand). Cytogenetic location: 4p15.32.
Variant type: single nucleotide variant.
Coding change: c.4180-1G>A on transcript NM_001378615.1 (MANE Select); the canonical splice acceptor site of the intron before coding-DNA position 4180, G replaced by A.
Molecular consequence: splice acceptor variant.
Genome position (GRCh38, 1-based): chr4:15,589,544, G>A. VCF-style: chr4-15589544-G-A. GRCh37 (hg19) VCF-style: chr4-15591167-G-A.
Other names: c.4180-1G>A (NM_001080522.2); c.4033-1G>A (NM_001378617.1).
Identifiers: ClinVar variation 5004569 (VCV005004569.1).

ClinVar aggregate classification (germline): Uncertain significance (1 of 4 stars; one submission).

Conditions:
Joubert syndrome and related disorders. Identifiers: Orphanet 140874, MedGen C5679612, MONDO:0015369.

Submission:

Myriad Genetics, Inc.
Classification: Uncertain significance for Joubert syndrome and related disorders. Last evaluated: 2026-03-31. Review status: criteria provided, single submitter. Criteria: Myriad Autosomal Dominant, Autosomal Recessive and X-Linked Classification Criteria (2023). Collection method: clinical testing. Allele origin: unknown.
Comment: NM_001080522.2(CC2D2A):c.4180-1G>A is a variant in a canonical splice site classified as a variant of uncertain significance in the context of CC2D2A-related disorders. c.4180-1G>A has not been observed in cases with relevant disease. Relevant functional assessments of this variant are not available in the literature. c.4180-1G>A has not been observed in referenced population frequency databases. In summary, there is insufficient evidence to classify NM_001080522.2(CC2D2A):c.4180-1G>A as pathogenic or benign. Please note: this variant was assessed in the context of healthy population screening.